The following is an entry in ClinVar:

NM_004990.4(MARS1):c.491-5C>G

Gene: MARS1 (methionyl-tRNA synthetase 1; plus strand). Cytogenetic location: 12q13.3.
Variant type: single nucleotide variant.
Coding change: c.491-5C>G on transcript NM_004990.4 (MANE Select); 5 bases into the intron before coding-DNA position 491, C replaced by G.
Molecular consequence: intron variant.
Genome position (GRCh38, 1-based): chr12:57,490,202, C>G. VCF-style: chr12-57490202-C-G. GRCh37 (hg19) VCF-style: chr12-57883985-C-G.
Identifiers: ClinVar variation 1800266 (VCV001800266.4), dbSNP rs761648454, ClinGen allele CA605705135.

ClinVar aggregate classification (germline): Conflicting classifications of pathogenicity. Review status: criteria provided, conflicting classifications (1 of 4 stars). 2 submissions from 2 submitters: Uncertain significance (1); Likely benign (1). Last evaluated 2024-05-23.

Conditions:
Severe early-onset pulmonary alveolar proteinosis due to MARS deficiency. Also called: PULMONARY ALVEOLAR PROTEINOSIS, REUNION ISLAND; Interstitial lung and liver disease. Identifiers: Orphanet 440427, MedGen C4225400, MONDO:0014206, OMIM 615486.
Charcot-Marie-Tooth disease axonal type 2U. Also called: CHARCOT-MARIE-TOOTH NEUROPATHY, TYPE 2U; CHARCOT-MARIE-TOOTH DISEASE, AXONAL, AUTOSOMAL DOMINANT, TYPE 2U. Identifiers: Orphanet 397735, MedGen C4084821, MONDO:0014566, OMIM 616280.

Allele frequency attached by ClinVar (database versions not stated): gnomAD 0.00001.
gnomAD v4.1: 98 of 1,610,152 alleles (0.0061%); highest among the groups gnomAD compares: Non-Finnish European, 0.0077%; no homozygotes.

Submissions (2):

Labcorp Genetics (formerly Invitae), Labcorp
Classification: Likely benign for Charcot-Marie-Tooth disease axonal type 2U; Severe early-onset pulmonary alveolar proteinosis due to MARS deficiency. Last evaluated: 2024-05-23. Review status: criteria provided, single submitter. Criteria: Invitae Variant Classification Sherloc (09022015). Collection method: clinical testing. Allele origin: germline.

Ambry Genetics
Classification: Uncertain significance. Last evaluated: 2020-02-14. Review status: criteria provided, single submitter. Criteria: Ambry Variant Classification Scheme 2023. Collection method: clinical testing. Allele origin: germline.
Comment: The c.491-5C>G intronic variant results from a C to G substitution 5 nucleotides upstream from coding exon 6 in the MARS gene. This nucleotide position is well conserved in available vertebrate species. Using the BDGP and ESEfinder splice site prediction tools, this alteration is not predicted to have any significant effect on this splice acceptor site; however, direct evidence is unavailable. Since supporting evidence is limited at this time, the clinical significance of this alteration remains unclear.